The following is an entry in ClinVar:

NM_052989.3(IFT122):c.1015G>A (p.Gly339Ser)

Gene: IFT122 (intraflagellar transport 122; plus strand). Cytogenetic location: 3q21.3.
Variant type: single nucleotide variant.
Coding change: c.1015G>A on transcript NM_052989.3 (MANE Select); coding-DNA position 1015, G replaced by A.
Protein change: p.Gly339Ser; replaces glycine 339 with serine.
Molecular consequence: missense variant.
Genome position (GRCh38, 1-based): chr3:129,476,669, G>A. VCF-style: chr3-129476669-G-A. GRCh37 (hg19) VCF-style: chr3-129195512-G-A.
Other names: c.991G>A, p.Gly331Ser (NM_001280541.2); c.565G>A, p.Gly189Ser (NM_001280545.2); c.388G>A, p.Gly130Ser (NM_001280546.2); c.1015G>A, p.Gly339Ser (NM_001410808.1, NM_001410809.1); c.838G>A, p.Gly280Ser (NM_001410810.1, NM_001410811.1, NM_001410813.1 and 1 more transcripts); c.682G>A, p.Gly228Ser (NM_001410815.1, NM_001410817.1, NM_052990.3); c.1168G>A, p.Gly390Ser (NM_052985.4); short protein forms G130S, G189S, G228S, G280S, G331S, G339S, G390S.
Identifiers: ClinVar variation 3255002 (VCV003255002.2), dbSNP rs749146926.

ClinVar aggregate classification (germline): Uncertain significance (1 of 4 stars; one submission).

Conditions:
Cranioectodermal dysplasia 1 (CED1). Also called: LEVIN SYNDROME I. Identifiers: Orphanet 1515, MedGen C0432235, MONDO:0021093, OMIM 218330.

Allele frequency attached by ClinVar (database versions not stated): gnomAD exomes below 0.00001; TOPMed below 0.00001; ExAC 0.00001.

Submission:

Victorian Clinical Genetics Services, Murdoch Childrens Research Institute
Classification: Uncertain significance for Cranioectodermal dysplasia 1. Last evaluated: 2024-09-21. Review status: criteria provided, single submitter. Criteria: ACMG Guidelines, 2015. Collection method: clinical testing. Allele origin: germline. Inheritance: Autosomal recessive inheritance. Affected: yes.
Comment: Based on the classification scheme VCGS_Germline_v1.3.4, this variant is classified as VUS-3A. Following criteria are met: 0102 - Loss of function is a known mechanism of disease in this gene and is associated with cranioectodermal dysplasia 1 (MIM#218330). (I) 0106 - This gene is associated with autosomal recessive disease. (I) 0200 - Variant is predicted to result in a missense amino acid change from glycine to serine. (I) 0251 - This variant is heterozygous. (I) 0304 - Variant is present in gnomAD <0.01 for a recessive condition (v2: 2 heterozygotes, 0 homozygotes). (SP) 0502 - Missense variant with conflicting in silico predictions and high conservation. (I) 0600 - Variant is located in the annotated WD40 super family domain (NCBI). (I) 0705 - No comparable missense variants have previous evidence for pathogenicity. (I) 0807 - This variant has no previous evidence of pathogenicity. (I) 0905 - No published segregation evidence has been identified for this variant. (I) 1007 - No published functional evidence has been identified for this variant. (I) 1102 - Strong phenotype match for this individual. (SP) 1208 - Inheritance information for this variant is not currently available in this individual. (I) Legend: (SP) - Supporting pathogenic, (I) - Information, (SB) - Supporting benign